The following is an entry in ClinVar:

NC_000002.11:g.(?_228548478)_(228564281_228566884)del

Gene: SLC19A3 (solute carrier family 19 member 3; minus strand). Cytogenetic location: 2q36.3.
Variant type: Deletion.
Identifiers: ClinVar variation 3366703 (VCV003366703.1).

ClinVar aggregate classification (germline): Pathogenic (1 of 4 stars; one submission).

Conditions:
Biotin-responsive basal ganglia disease (BTBGD). Also called: Thiamine metabolism dysfunction syndrome 2 (biotin- or thiamine-responsive encephalopathy type 2); thiamine-responsive encephalopathy; THIAMINE METABOLISM DYSFUNCTION SYNDROME 2 (BIOTIN- AND THIAMINE-RESPONSIVE TYPE); Thiamine metabolism dysfunction syndrome type 2; Thiamine Transporter-2 Deficiency. Identifiers: Orphanet 199348, Orphanet 65284, MedGen C1843807, MONDO:0011841, OMIM 607483.

Submission:

Women's Health and Genetics/Laboratory Corporation of America, LabCorp
Classification: Pathogenic for Biotin-responsive basal ganglia disease. Last evaluated: 2024-08-20. Review status: criteria provided, single submitter. Criteria: LabCorp Variant Classification Summary - May 2015. Collection method: clinical testing. Allele origin: germline.
Comment: Variant summary: The variant involves the deletion of exons 3-6 in the SLC19A3 gene. A presumed nomenclature of c.(150+1_151-1)_(*3635_?)del has been designated for the purposes of this classification. The exact breakpoint at the distal 3' end of this variant is unknown, therefore this deletion may extend downstream of the annotated region of the gene. As it encompasses the termination codon, it is predicted to escape nonsense mediated decay (NMD). The variant was absent in 20964 control chromosomes. To our knowledge, no occurrence of c.(150+1_151-1)_(*3635_?)del in individuals affected with Basal ganglia disease, biotin-thiamine-responsive and no experimental evidence demonstrating its impact on protein function have been reported. However, at least one missense variant within the deleted region (p.Ser181Pro) has been determined to be pathogenic, supporting the critical relevance of this region to SLC19A3 protein function. No submitters have cited clinical-significance assessments for this variant to ClinVar. Based on the evidence outlined above, the variant was classified as pathogenic.